The following is an entry in ClinVar:

NM_014915.3(ANKRD26):c.556G>C (p.Ala186Pro)

Gene: ANKRD26 (ankyrin repeat domain containing 26; minus strand). Cytogenetic location: 10p12.1.
Variant type: single nucleotide variant.
Coding change: c.556G>C on transcript NM_014915.3 (MANE Select); coding-DNA position 556, G replaced by C.
Protein change: p.Ala186Pro; replaces alanine 186 with proline.
Molecular consequence: missense variant.
Genome position (GRCh38, 1-based): chr10:27,092,488, C>G on the plus strand (G>C on the coding strand, the complement: ANKRD26 is on the minus strand). VCF-style: chr10-27092488-C-G. GRCh37 (hg19) VCF-style: chr10-27381417-C-G.
Other names: c.556G>C, p.Ala186Pro (NM_001256053.2); short protein forms A186P.
Identifiers: ClinVar variation 3870808 (VCV003870808.1).

ClinVar aggregate classification (germline): Uncertain significance (1 of 4 stars; one submission).

Conditions:
Inborn genetic diseases. Identifiers: MedGen C0950123, MeSH D030342.

Submission:

Ambry Genetics
Classification: Uncertain significance for Inborn genetic diseases. Last evaluated: 2025-01-25. Review status: criteria provided, single submitter. Criteria: Ambry Variant Classification Scheme 2023. Collection method: clinical testing. Allele origin: germline.
Comment: The p.A186P variant (also known as c.556G>C), located in coding exon 4 of the ANKRD26 gene, results from a G to C substitution at nucleotide position 556. The alanine at codon 186 is replaced by proline, an amino acid with highly similar properties. This amino acid position is conserved. In addition, this alteration is predicted to be deleterious by in silico analysis. Based on the available evidence, the clinical significance of this variant remains unclear.